The following is an entry in ClinVar:

NM_000395.3(CSF2RB):c.1973C>T (p.Pro658Leu)

Gene: CSF2RB (colony stimulating factor 2 receptor subunit beta; plus strand). Cytogenetic location: 22q12.3.
Variant type: single nucleotide variant.
Coding change: c.1973C>T on transcript NM_000395.3 (MANE Select); coding-DNA position 1973, C replaced by T.
Protein change: p.Pro658Leu; replaces proline 658 with leucine.
Molecular consequence: missense variant.
Genome position (GRCh38, 1-based): chr22:36,937,781, C>T. VCF-style: chr22-36937781-C-T. GRCh37 (hg19) VCF-style: chr22-37333823-C-T.
Other names: short protein forms P658L.
Identifiers: ClinVar variation 1063992 (VCV001063992.7), dbSNP rs548203092, ClinGen allele CA10214015.

ClinVar aggregate classification (germline): Uncertain significance (1 of 4 stars; one submission).

Allele frequency attached by ClinVar (database versions not stated): gnomAD 0.00005 and 0.00006; TOPMed 0.00006; gnomAD exomes 0.00008; ExAC 0.00016; 1000 Genomes Project 0.00020; 1000 Genomes Project 30x 0.00031.
gnomAD v4.1: 96 of 1,582,112 alleles (0.0061%); highest among the groups gnomAD compares: African/African-American, 0.0054%; no homozygotes.

Submission:

Labcorp Genetics (formerly Invitae), Labcorp
Classification: Uncertain significance. Last evaluated: 2025-11-06. Review status: criteria provided, single submitter. Criteria: Invitae Variant Classification Sherloc (09022015). Collection method: clinical testing. Allele origin: germline.
Comment: This sequence change replaces proline, which is neutral and non-polar, with leucine, which is neutral and non-polar, at codon 658 of the CSF2RB protein (p.Pro658Leu). This variant is present in population databases (rs548203092, gnomAD 0.1%), and has an allele count higher than expected for a pathogenic variant. This missense change has been observed in individual(s) with inflammatory bowel disease (PMID: 30124884). ClinVar contains an entry for this variant (Variation ID: 1063992). Invitae Evidence Modeling of protein sequence and biophysical properties (such as structural, functional, and spatial information, amino acid conservation, physicochemical variation, residue mobility, and thermodynamic stability) indicates that this missense variant is not expected to disrupt CSF2RB protein function with a negative predictive value of 80%. In summary, the available evidence is currently insufficient to determine the role of this variant in disease. Therefore, it has been classified as a Variant of Uncertain Significance.

Literature cited by the submitters: PubMed 30124884.